The following is an entry in ClinVar:

NM_007294.4(BRCA1):c.302-2A>G

Gene: BRCA1 (BRCA1 DNA repair associated; minus strand). Cytogenetic location: 17q21.31.
Variant type: single nucleotide variant.
Coding change: c.302-2A>G on transcript NM_007294.4 (MANE Select); the canonical splice acceptor site of the intron before coding-DNA position 302, A replaced by G.
Molecular consequence: splice acceptor variant. On other transcripts: intron variant (2).
Genome position (GRCh38, 1-based): chr17:43,104,263, T>C on the plus strand (A>G on the coding strand, the complement: BRCA1 is on the minus strand). VCF-style: chr17-43104263-T-C. GRCh37 (hg19) VCF-style: chr17-41256280-T-C.
Other names: c.302-2A>G (NM_001407859.1, NM_001407620.1, NM_001407686.1 and 164 more transcripts); c.161-2A>G (NM_001407745.1, NM_001407922.1, NM_001408469.1 and 99 more transcripts); c.92-2A>G (NM_001407886.1, NM_001407898.1, NM_001407881.1 and 58 more transcripts); c.170-2A>G (NM_001408451.1); c.-218-9403A>G (NM_001407967.1, NM_001407966.1); c.-80-2A>G (NM_001407959.1, NM_001407962.1, NM_001408512.1 and 4 more transcripts); c.224-2A>G (NM_001408475.1, NM_001407875.1, NM_001407659.1 and 21 more transcripts); c.293-2A>G (NM_001408408.1, NM_001407647.1, NM_001407646.1).
Identifiers: ClinVar variation 54752 (VCV000054752.14), dbSNP rs80358011, ClinGen allele CA001981.

ClinVar aggregate classification (germline): Pathogenic/Likely pathogenic. Review status: criteria provided, multiple submitters, no conflicts (2 of 4 stars). 4 submissions from 4 submitters: Pathogenic (3); Likely pathogenic (1). Last evaluated 2022-07-07.

Conditions:
Hereditary cancer-predisposing syndrome. Also called: Neoplastic Syndromes, Hereditary; Tumor predisposition; Hereditary Cancer Syndrome; Hereditary neoplastic syndrome. Identifiers: Orphanet 140162, MedGen C0027672, MeSH D009386, MONDO:0015356.
Breast-ovarian cancer, familial, susceptibility to, 1 (BROVCA1). Also called: OVARIAN CANCER, SUSCEPTIBILITY TO; BRCA1 Hereditary Breast and Ovarian Cancer. Identifiers: Orphanet 145, MedGen C2676676, MONDO:0011450, OMIM 604370. Disease mechanism: loss of function.

Submissions (4):

Ambry Genetics
Classification: Likely pathogenic for Hereditary cancer-predisposing syndrome. Last evaluated: 2022-07-07. Review status: criteria provided, single submitter. Criteria: Ambry Variant Classification Scheme 2023. Collection method: clinical testing. Allele origin: germline.
Comment: The c.302-2A>G intronic variant results from an A to G substitution two nucleotides before coding exon 5 in the BRCA1 gene. This alteration has been identified in multiple individuals with a personal history and/or family history of high risk breast cancer (Robertson L et al. Br J Cancer, 2012 Mar;106:1234-8; Fostira F et al. J Med Genet, 2020 01;57:53-61). This variant is considered to be rare based on population cohorts in the Genome Aggregation Database (gnomAD). This nucleotide position is highly conserved in available vertebrate species. In silico splice site analysis predicts that this alteration will weaken the native splice acceptor site and will result in the creation or strengthening of a novel splice acceptor site. In addition to the clinical data presented in the literature, alterations that disrupt the canonical splice site are expected to cause aberrant splicing, resulting in an abnormal protein or a transcript that is subject to nonsense-mediated mRNA decay. As such, this alteration is classified as likely pathogenic.

Color Diagnostics, LLC DBA Color Health
Classification: Pathogenic for Hereditary cancer-predisposing syndrome. Last evaluated: 2022-04-25. Review status: criteria provided, single submitter. Criteria: ACMG Guidelines, 2015. Collection method: clinical testing. Allele origin: germline.
Comment: This variant causes an A to G nucleotide substitution at the -2 position of intron 5 of the BRCA1 gene. Splice site prediction tools predict that this variant may have a significant impact on RNA splicing. Although functional studies have not been reported for this variant, this variant is likely to result in the absent or non-functional gene product. This variant has been reported in multiple individuals affected with breast cancer or ovarian cancer (PMID: 20406929, 22333603, 31209999, 33471991; Color internal data), and has been identified in one family among the CIMBA participants (PMID: 29446198). This variant has not been identified in the general population by the Genome Aggregation Database (gnomAD). A different variant occurring at the same nucleotide position, c.302-2A>C, is a well documented pathogenic variant due to its deleterious impact on RNA splicing (ClinVar variation ID: 37500). Loss of BRCA1 function is a known mechanism of disease. Based on the available evidence, this variant is classified as Pathogenic.

Consortium of Investigators of Modifiers of BRCA1/2 (CIMBA), c/o University of Cambridge
Classification: Pathogenic for Breast-ovarian cancer, familial, susceptibility to, 1. Last evaluated: 2015-10-02. Review status: criteria provided, single submitter. Criteria: CIMBA Mutation Classification guidelines May 2016. Collection method: clinical testing. Allele origin: germline.

Juno Genomics, Hangzhou Juno Genomics, Inc
Classification: Pathogenic for Breast-ovarian cancer, familial, susceptibility to, 1. Review status: criteria provided, single submitter. Criteria: ACMG Guidelines, 2015. Collection method: clinical testing. Allele origin: germline.
Comment: Absent from controls (or at extremely low frequency if recessive) in Genome Aggregation Database.;Null variant in a gene where loss of function (LOF) is a known mechanism of disease.;The prevalence of the variant in affected individuals is significantly increased compared to the prevalence in controls.

Literature cited by the submitters: PubMed 22333603 (cited by Ambry Genetics and Color Diagnostics, LLC DBA Color Health); PubMed 31300551 (cited by Ambry Genetics); PubMed 20406929 (cited by Color Diagnostics, LLC DBA Color Health); PubMed 29446198 (cited by Color Diagnostics, LLC DBA Color Health); PubMed 31209999 (cited by Color Diagnostics, LLC DBA Color Health); PubMed 33471991 (cited by Color Diagnostics, LLC DBA Color Health).